The following is an entry in ClinVar:

ClinVar aggregate classification (germline): Likely pathogenic (1 of 4 stars; one submission).

Conditions:
Pendred syndrome (PDS). Also called: Pendred's syndrome; DEAFNESS WITH GOITER; Pendred Syndrome (PDS); GOITER-DEAFNESS SYNDROME; HYPOTHYROIDISM, CONGENITAL, DUE TO DYSHORMONOGENESIS, 2B; THYROID DYSHORMONOGENESIS 2B. Identifiers: Orphanet 705, MedGen C0271829, MONDO:0010134, OMIM 274600.

gnomAD v4.1: 2 of 1,609,406 alleles (0.00012%); highest among the groups gnomAD compares: South Asian, 0.0011%; no homozygotes.

Submission:

Neuberg Centre For Genomic Medicine, NCGM
Classification: Likely pathogenic for Pendred syndrome. Last evaluated: 2023-05-20. Review status: criteria provided, single submitter. Criteria: ACMG Guidelines, 2015. Collection method: clinical testing. Allele origin: germline. Inheritance: Autosomal recessive inheritance. Affected: yes.
Comment: The observed missense variant c.2161A>G(p.Thr721Ala) in the SLC26A4 gene has not been reported previously as a pathogenic variant nor as a benign variant, to our knowledge. This variant is absent in the gnomAD Exomes. This variant is located in a mutational hot spot. A different amino acid change [c.2162C>T (p.Thr721Met)] at the same position has been previously reported as Pathogenic (Rajalakshmi K, et al., 2023). The amino acid Threonine at position 721 is changed to a Alanine changing protein sequence and it might alter its composition and physico- chemical properties. Multiple lines of computational evidence (Polyphen - Probably damaging, SIFT - Damaging and MutationTaster - Disease causing) predict a damaging effect on protein structure and function for this variant. The residue is conserved by GERP++ and PhyloP across 100 vertebrates. For these reasons, this variant has been classified as Likely pathogenic.

NM_000441.2(SLC26A4):c.2161A>G (p.Thr721Ala)

Genes: SLC26A4 (solute carrier family 26 member 4; plus strand), LOC123956210 (Sharpr-MPRA regulatory region 3291; plus strand). Cytogenetic location: 7q22.3.
Variant type: single nucleotide variant.
Coding change: c.2161A>G on transcript NM_000441.2 (MANE Select); coding-DNA position 2161, A replaced by G.
Protein change: p.Thr721Ala; replaces threonine 721 with alanine.
Molecular consequence: missense variant.
Genome position (GRCh38, 1-based): chr7:107,710,125, A>G. VCF-style: chr7-107710125-A-G. GRCh37 (hg19) VCF-style: chr7-107350570-A-G.
Other names: short protein forms T721A.
Identifiers: ClinVar variation 3362830 (VCV003362830.3).